The following is an entry in ClinVar:

NM_000059.4(BRCA2):c.6632T>C (p.Val2211Ala)

Gene: BRCA2 (BRCA2 DNA repair associated; plus strand). Cytogenetic location: 13q13.1.
Variant type: single nucleotide variant.
Coding change: c.6632T>C on transcript NM_000059.4 (MANE Select); coding-DNA position 6632, T replaced by C.
Protein change: p.Val2211Ala; replaces valine 2211 with alanine.
Molecular consequence: missense variant. On other transcripts: non-coding transcript variant (1), intron variant (2).
Genome position (GRCh38, 1-based): chr13:32,340,987, T>C. VCF-style: chr13-32340987-T-C. GRCh37 (hg19) VCF-style: chr13-32915124-T-C.
Other names: c.6632T>C, p.Val2211Ala (NM_001406719.1, NM_001406720.1, NM_001432077.1); c.1910-3571T>C (NM_001406721.1); c.425-3571T>C (NM_001406722.1); short protein forms V2211A.
Identifiers: ClinVar variation 4215231 (VCV004215231.1).
Genomic context (GRCh38, chr13:32,340,987, plus strand): 5'-AAATGGAAATTGGTAAAACTGAAACTTTTTCTGATGTTCCTGTGAAAACAAATATAGAAG[T>C]TTGTTCTACTTACTCCAAAGATTCAGAAAACTACTTTGAAACAGAAGCAGTAGAAATTGC-3'
Protein context (NP_000050.3, residues 2201-2221): SDVPVKTNIE[Val2211Ala]CSTYSKDSEN

ClinVar aggregate classification (germline): Uncertain significance (1 of 4 stars; one submission).

Conditions:
Hereditary cancer-predisposing syndrome. Also called: Neoplastic Syndromes, Hereditary; Tumor predisposition; Hereditary Cancer Syndrome; Hereditary neoplastic syndrome. Identifiers: Orphanet 140162, MedGen C0027672, MeSH D009386, MONDO:0015356.

gnomAD v4.1: 2 of 1,609,038 alleles (0.00012%); highest among the groups gnomAD compares: Non-Finnish European, 0.00017%; no homozygotes.

Submission:

Ambry Genetics
Classification: Uncertain significance for Hereditary cancer-predisposing syndrome. Last evaluated: 2025-09-04. Review status: criteria provided, single submitter. Criteria: Ambry Variant Classification Scheme 2023. Collection method: clinical testing. Allele origin: germline.
Comment: The p.V2211A variant (also known as c.6632T>C), located in coding exon 10 of the BRCA2 gene, results from a T to C substitution at nucleotide position 6632. The valine at codon 2211 is replaced by alanine, an amino acid with similar properties. This amino acid position is conserved. In addition, the in silico prediction for this alteration is inconclusive. Based on the available evidence, the clinical significance of this variant remains unclear.